The following is an entry in ClinVar:

ClinVar aggregate classification (germline): Uncertain significance (1 of 4 stars; one submission).

Allele frequency attached by ClinVar (database versions not stated): gnomAD exomes below 0.00001; gnomAD 0.00001; TOPMed 0.00002.
gnomAD v4.1: 4 of 1,613,870 alleles (0.00025%); highest among the groups gnomAD compares: South Asian, 0.0011%; no homozygotes.

Submission:

Labcorp Genetics (formerly Invitae), Labcorp
Classification: Uncertain significance. Last evaluated: 2022-10-24. Review status: criteria provided, single submitter. Criteria: Invitae Variant Classification Sherloc (09022015). Collection method: clinical testing. Allele origin: germline.
Comment: ClinVar contains an entry for this variant (Variation ID: 1406936). This variant has not been reported in the literature in individuals affected with HPS5-related conditions. This variant is not present in population databases (gnomAD no frequency). This sequence change replaces threonine, which is neutral and polar, with alanine, which is neutral and non-polar, at codon 174 of the HPS5 protein (p.Thr174Ala). In summary, the available evidence is currently insufficient to determine the role of this variant in disease. Therefore, it has been classified as a Variant of Uncertain Significance. Algorithms developed to predict the effect of missense changes on protein structure and function are either unavailable or do not agree on the potential impact of this missense change (SIFT: "Tolerated"; PolyPhen-2: "Possibly Damaging"; Align-GVGD: "Class C0").

NM_181507.2(HPS5):c.520A>G (p.Thr174Ala)

Gene: HPS5 (HPS5 biogenesis of lysosomal organelles complex 2 subunit 2; minus strand). Cytogenetic location: 11p15.1.
Variant type: single nucleotide variant.
Coding change: c.520A>G on transcript NM_181507.2 (MANE Select); coding-DNA position 520, A replaced by G.
Protein change: p.Thr174Ala; replaces threonine 174 with alanine.
Molecular consequence: missense variant.
Genome position (GRCh38, 1-based): chr11:18,309,037, T>C on the plus strand (A>G on the coding strand, the complement: HPS5 is on the minus strand). VCF-style: chr11-18309037-T-C. GRCh37 (hg19) VCF-style: chr11-18330584-T-C.
Other names: c.178A>G, p.Thr60Ala (NM_007216.4, NM_181508.2); short protein forms T174A, T60A.
Identifiers: ClinVar variation 1406936 (VCV001406936.8), dbSNP rs1162947347, ClinGen allele CA379504026.